The following is an entry in ClinVar:

ClinVar aggregate classification (germline): Uncertain significance (0 of 4 stars; one submission).

Conditions:
POMC-related disorder. Also called: POMC-related disorders; POMC-related condition.

Submission:

PreventionGenetics, part of Exact Sciences
Classification: Uncertain significance for POMC-related condition. Last evaluated: 2024-03-19. Review status: no assertion criteria provided. Collection method: clinical testing. Allele origin: germline.
Comment: The POMC c.286G>T variant is predicted to result in the amino acid substitution p.Gly96Cys. This variant was also observed in a cohort of individuals with obesity, and in vitro functional studies showed function similar to wild-type levels (Supplemental Data Set, Shah et al. 2023. PubMed ID: 36864747). This variant is reported in 0.014% of alleles in individuals of European (Non-Finnish) descent in gnomAD. At this time, the clinical significance of this variant is uncertain due to the absence of conclusive functional and genetic evidence.

NM_000939.4(POMC):c.286G>T (p.Gly96Cys)

Gene: POMC (proopiomelanocortin; minus strand). Cytogenetic location: 2p23.3.
Variant type: single nucleotide variant.
Coding change: c.286G>T on transcript NM_000939.4 (MANE Select); coding-DNA position 286, G replaced by T.
Protein change: p.Gly96Cys; replaces glycine 96 with cysteine.
Molecular consequence: missense variant.
Genome position (GRCh38, 1-based): chr2:25,161,599, C>A on the plus strand (G>T on the coding strand, the complement: POMC is on the minus strand). VCF-style: chr2-25161599-C-A. GRCh37 (hg19) VCF-style: chr2-25384468-C-A.
Other names: c.286G>T, p.Gly96Cys (NM_001035256.3, NM_001319204.2, NM_001319205.2); short protein forms G96C.
Identifiers: ClinVar variation 3353258 (VCV003353258.1).